The following is an entry in ClinVar:

ClinVar aggregate classification (germline): Likely benign (1 of 4 stars; one submission).

gnomAD v4.1: 79 of 1,613,408 alleles (0.0049%); highest among the groups gnomAD compares: Middle Eastern, 0.034%; no homozygotes.

Submission:

CeGaT Center for Human Genetics Tuebingen
Classification: Likely benign. Last evaluated: 2025-10-01. Review status: criteria provided, single submitter. Criteria: CeGaT Center For Human Genetics Tuebingen Variant Classification Criteria Version 2. Collection method: clinical testing. Allele origin: germline. Affected: yes. Observed: 1 variant allele.
Comment: PLA2G3: BP4, BP7

NM_015715.5(PLA2G3):c.300C>T (p.Pro100=)

Gene: PLA2G3 (phospholipase A2 group III; minus strand). Cytogenetic location: 22q12.2.
Variant type: single nucleotide variant.
Coding change: c.300C>T on transcript NM_015715.5 (MANE Select); coding-DNA position 300, C replaced by T.
Protein change: p.Pro100=; no amino-acid change (proline 100 retained).
Molecular consequence: synonymous variant.
Genome position (GRCh38, 1-based): chr22:31,140,055, G>A on the plus strand (C>T on the coding strand, the complement: PLA2G3 is on the minus strand). VCF-style: chr22-31140055-G-A. GRCh37 (hg19) VCF-style: chr22-31536041-G-A.
Identifiers: ClinVar variation 4534215 (VCV004534215.6).